The following is an entry in ClinVar:

NM_152564.5(VPS13B):c.10983T>C (p.Pro3661=)

Gene: VPS13B (vacuolar protein sorting 13 homolog B; plus strand). Cytogenetic location: 8q22.2.
Variant type: single nucleotide variant.
Coding change: c.10983T>C on transcript NM_152564.5 (MANE Select); coding-DNA position 10983, T replaced by C.
Protein change: p.Pro3661=; no amino-acid change (proline 3661 retained).
Molecular consequence: synonymous variant.
Genome position (GRCh38, 1-based): chr8:99,859,419, T>C. VCF-style: chr8-99859419-T-C. GRCh37 (hg19) VCF-style: chr8-100871647-T-C.
Other names: c.11058T>C, p.Pro3686= (NM_017890.5).
Identifiers: ClinVar variation 2419998 (VCV002419998.9), dbSNP rs1436199960, ClinGen allele CA462337321.

ClinVar aggregate classification (germline): Likely benign. Review status: criteria provided, single submitter (1 of 4 stars). 2 submissions from 2 submitters: Likely benign (1). 1 of the submissions does not count toward it. Last evaluated 2023-08-17.

Conditions:
VPS13B-related disorder. Also called: VPS13B-related condition.
Cohen syndrome (COH1). Also called: PEPPER SYNDROME; Cutis verticis gyrata, retinitis pigmentosa, and sensorineural deafness. Identifiers: Orphanet 193, MedGen C0265223, MONDO:0008999, OMIM 216550.

Allele frequency attached by ClinVar (database versions not stated): gnomAD exomes below 0.00001.
gnomAD v4.1: 3 of 1,614,150 alleles (0.00019%); highest among the groups gnomAD compares: South Asian, 0.0022%; no homozygotes.

Submissions (2):

Labcorp Genetics (formerly Invitae), Labcorp
Classification: Likely benign for Cohen syndrome. Last evaluated: 2023-08-17. Review status: criteria provided, single submitter. Criteria: Invitae Variant Classification Sherloc (09022015). Collection method: clinical testing. Allele origin: germline.

PreventionGenetics, part of Exact Sciences
Classification: Likely benign for VPS13B-related condition. Last evaluated: 2022-05-24. Review status: no assertion criteria provided. Collection method: clinical testing. Allele origin: germline. Not counted in ClinVar's aggregate classification.
Comment: This variant is classified as likely benign based on ACMG/AMP sequence variant interpretation guidelines (Richards et al. 2015 PMID: 25741868, with internal and published modifications).